The following is an entry in ClinVar:

ClinVar aggregate classification (germline): Pathogenic. Review status: criteria provided, multiple submitters, no conflicts (2 of 4 stars). 2 submissions from 2 submitters: Pathogenic (2). Last evaluated 2026-01-28.

Conditions:
Hypertrophic cardiomyopathy. Also called: HYPERTROPHIC MYOCARDIOPATHY. Identifiers: Orphanet 217569, MedGen C0007194, MeSH D002312, MONDO:0005045, HP:0001639.
Hypertrophic cardiomyopathy 4. Also called: Familial hypertrophic cardiomyopathy 4. Identifiers: MedGen C1861862, MONDO:0007268, OMIM 115197.

Submissions (2):

Labcorp Genetics (formerly Invitae), Labcorp
Classification: Pathogenic for Hypertrophic cardiomyopathy. Last evaluated: 2026-01-28. Review status: criteria provided, single submitter. Criteria: Invitae Variant Classification Sherloc (09022015). Collection method: clinical testing. Allele origin: germline.
Comment: This sequence change is expected to alter the c-terminus of the MYBPC3 protein (p.Thr1256Profs*75). While this is not anticipated to result in nonsense mediated decay, it is expected to disrupt the last 19 amino acid(s) of the MYBPC3 protein and extend the protein by 55 additional amino acid residues. This variant is not present in population databases (gnomAD no frequency). This variant has not been reported in the literature in individuals affected with MYBPC3-related conditions. ClinVar contains an entry for this variant (Variation ID: 986353). This variant disrupts a region of the MYBPC3 protein in which other variant(s) (p.Arg1271*) have been determined to be pathogenic (PMID: 18533079, 19574547, 23396983, 27532257; internal data). This suggests that this is a clinically significant region of the protein, and that variants that disrupt it are likely to be disease-causing. For these reasons, this variant has been classified as Pathogenic.

Rady Children's Institute for Genomic Medicine, Rady Children's Hospital San Diego
Classification: Pathogenic for CARDIOMYOPATHY, FAMILIAL HYPERTROPHIC, 4. Last evaluated: 2019-09-10. Review status: criteria provided, single submitter. Criteria: ACMG Guidelines, 2015. Collection method: clinical testing. Allele origin: germline. Affected: yes.
Comment: This frameshifting variant in exon 33 of 35 introduces a premature stop codon and is therefore predicted to result in loss of normal protein function. This variant has been previously reported as a heterozygous change in affected individuals with hypertrophic cardiomyopathy (PMID: 25524337, 27532257). It is absent from the ExAC and gnomAD population databases and thus is presumed to be rare. Based on the available evidence, the c.3766del (p.Thr1256ProfsTer75) variant is classified as Pathogenic.

Literature cited by the submitters: PubMed 18533079 (cited by Labcorp Genetics (formerly Invitae), Labcorp); PubMed 19574547 (cited by Labcorp Genetics (formerly Invitae), Labcorp); PubMed 23396983 (cited by Labcorp Genetics (formerly Invitae), Labcorp); PubMed 27532257 (cited by Labcorp Genetics (formerly Invitae), Labcorp).

NM_000256.3(MYBPC3):c.3766del (p.Thr1256fs)

Gene: MYBPC3 (myosin binding protein C3; minus strand). Cytogenetic location: 11p11.2.
Variant type: Deletion.
Coding change: c.3766del on transcript NM_000256.3 (MANE Select); coding-DNA position 3766, one base deleted (A; older notation c.3766delA).
Protein change: p.Thr1256fs; shifts the reading frame from threonine 1256.
Molecular consequence: frameshift variant.
Genome position (GRCh38, 1-based): chr11:47,332,120, T deleted on the plus strand (A on the coding strand, the reverse complement: MYBPC3 is on the minus strand). VCF-style (leftmost placement, unchanged base first): chr11-47332119-GT-G. GRCh37 (hg19) VCF-style: chr11-47353670-GT-G.
Other names: short protein forms T1256fs.
Identifiers: ClinVar variation 986353 (VCV000986353.8), dbSNP rs2095877685, ClinGen allele CA1139659380.